The following is an entry in ClinVar:

ClinVar aggregate classification (germline): Uncertain significance (1 of 4 stars; one submission).

Conditions:
Dyskeratosis congenita, autosomal recessive 5 (DKCB5). Identifiers: MedGen C3554656, MONDO:0014076, OMIM 615190.
Pulmonary fibrosis and/or bone marrow failure, Telomere-related, 3. Also called: PULMONARY FIBROSIS AND/OR BONE MARROW FAILURE SYNDROME, TELOMERE-RELATED, 3. Identifiers: Orphanet 2032, MedGen C4225346, MONDO:0014613, OMIM 616373.

Allele frequency attached by ClinVar (database versions not stated): gnomAD exomes below 0.00001.
gnomAD v4.1: 2 of 1,612,336 alleles (0.00012%); highest among the groups gnomAD compares: East Asian, 0.0022%; no homozygotes.

Submission:

Labcorp Genetics (formerly Invitae), Labcorp
Classification: Uncertain significance for Dyskeratosis congenita, autosomal recessive 5; Pulmonary fibrosis and/or bone marrow failure, Telomere-related, 3. Last evaluated: 2022-01-27. Review status: criteria provided, single submitter. Criteria: Invitae Variant Classification Sherloc (09022015). Collection method: clinical testing. Allele origin: germline.
Comment: This variant is not present in population databases (gnomAD no frequency). This sequence change replaces glycine, which is neutral and non-polar, with glutamic acid, which is acidic and polar, at codon 1236 of the RTEL1 protein (p.Gly1236Glu). This variant has not been reported in the literature in individuals affected with RTEL1-related conditions. Algorithms developed to predict the effect of missense changes on protein structure and function are either unavailable or do not agree on the potential impact of this missense change (SIFT: "Deleterious"; PolyPhen-2: "Benign"; Align-GVGD: "Class C0"). In summary, the available evidence is currently insufficient to determine the role of this variant in disease. Therefore, it has been classified as a Variant of Uncertain Significance.

NM_001283009.2(RTEL1):c.3707G>A (p.Gly1236Glu)

Genes: RTEL1 (regulator of telomere elongation helicase 1; plus strand), RTEL1-TNFRSF6B (RTEL1-TNFRSF6B readthrough (NMD candidate); plus strand). Cytogenetic location: 20q13.33.
Variant type: single nucleotide variant.
Coding change: c.3707G>A on transcript NM_001283009.2 (MANE Select); coding-DNA position 3707, G replaced by A.
Protein change: p.Gly1236Glu; replaces glycine 1236 with glutamic acid.
Molecular consequence: missense variant. On other transcripts: non-coding transcript variant (1), intron variant (3).
Genome position (GRCh38, 1-based): chr20:63,695,535, G>A. VCF-style: chr20-63695535-G-A. GRCh37 (hg19) VCF-style: chr20-62326888-G-A.
Other names: c.2983+55G>A (NM_001283010.1); c.3724+55G>A (NM_032957.5); c.3652+55G>A (NM_016434.4); short protein forms G1236E.
Identifiers: ClinVar variation 2090272 (VCV002090272.4), dbSNP rs2517204310, ClinGen allele CA409686545.